The following is an entry in ClinVar:

ClinVar aggregate classification (germline): Likely benign (1 of 4 stars; one submission).

Allele frequency attached by ClinVar (database versions not stated): gnomAD exomes below 0.00001.
gnomAD v4.1: 1 of 1,614,154 alleles (0.000062%); highest among the groups gnomAD compares: South Asian, 0.0011%; no homozygotes.

Submission:

Women's Health and Genetics/Laboratory Corporation of America, LabCorp
Classification: Likely benign. Last evaluated: 2023-05-30. Review status: criteria provided, single submitter. Criteria: LabCorp Variant Classification Summary - May 2015. Collection method: clinical testing. Allele origin: germline.
Comment: Variant summary: MYH11 c.1728C>G alters a non-conserved nucleotide resulting in a synonymous change. 4/4 computational tools predict no significant impact on normal splicing. However, these predictions have yet to be confirmed by functional studies. The variant was absent in 251440 control chromosomes (gnomAD). The available data on variant occurrences in the general population are insufficient to allow any conclusion about variant significance. To our knowledge, no occurrence of c.1728C>G in individuals affected with Thoracic Aortic Aneurysms And Dissections and no experimental evidence demonstrating its impact on protein function have been reported. One clinical diagnostic laboratory has submitted a clinical-significance assessment for this variant to ClinVar after 2014 and classified the variant as likely benign. Based on the evidence outlined above, the variant was classified as likely benign.

NM_002474.3(MYH11):c.1707C>G (p.Leu569=)

Gene: MYH11 (myosin heavy chain 11; minus strand). Cytogenetic location: 16p13.11.
Variant type: single nucleotide variant.
Coding change: c.1707C>G on transcript NM_002474.3 (MANE Select); coding-DNA position 1707, C replaced by G.
Protein change: p.Leu569=; no amino-acid change (leucine 569 retained).
Molecular consequence: synonymous variant.
Genome position (GRCh38, 1-based): chr16:15,756,383, G>C on the plus strand (C>G on the coding strand, the complement: MYH11 is on the minus strand). VCF-style: chr16-15756383-G-C. GRCh37 (hg19) VCF-style: chr16-15850240-G-C.
Other names: c.1728C>G, p.Leu576= (NM_001040113.2, NM_001040114.2); c.1707C>G, p.Leu569= (NM_022844.3).
Identifiers: ClinVar variation 2506246 (VCV002506246.1), dbSNP rs2506357996, ClinGen allele CA493793343.